The following is an entry in ClinVar:

ClinVar aggregate classification (germline): Uncertain significance (1 of 4 stars; one submission).

Allele frequency attached by ClinVar (database versions not stated): gnomAD exomes below 0.00001; ExAC 0.00001.
gnomAD v4.1: 1 of 1,613,500 alleles (0.000062%); highest among the groups gnomAD compares: South Asian, 0.0011%; no homozygotes.

Submission:

Labcorp Genetics (formerly Invitae), Labcorp
Classification: Uncertain significance. Last evaluated: 2025-03-05. Review status: criteria provided, single submitter. Criteria: Invitae Variant Classification Sherloc (09022015). Collection method: clinical testing. Allele origin: germline.
Comment: This sequence change replaces serine, which is neutral and polar, with proline, which is neutral and non-polar, at codon 1793 of the COL7A1 protein (p.Ser1793Pro). This variant is present in population databases (rs754985497, gnomAD 0.003%). This variant has not been reported in the literature in individuals affected with COL7A1-related conditions. ClinVar contains an entry for this variant (Variation ID: 1942959). Invitae Evidence Modeling of protein sequence and biophysical properties (such as structural, functional, and spatial information, amino acid conservation, physicochemical variation, residue mobility, and thermodynamic stability) indicates that this missense variant is not expected to disrupt COL7A1 protein function with a negative predictive value of 95%. In summary, the available evidence is currently insufficient to determine the role of this variant in disease. Therefore, it has been classified as a Variant of Uncertain Significance.

NM_000094.4(COL7A1):c.5377T>C (p.Ser1793Pro)

Gene: COL7A1 (collagen type VII alpha 1 chain; minus strand). Cytogenetic location: 3p21.31.
Variant type: single nucleotide variant.
Coding change: c.5377T>C on transcript NM_000094.4 (MANE Select); coding-DNA position 5377, T replaced by C.
Protein change: p.Ser1793Pro; replaces serine 1793 with proline.
Molecular consequence: missense variant.
Genome position (GRCh38, 1-based): chr3:48,579,208, A>G on the plus strand (T>C on the coding strand, the complement: COL7A1 is on the minus strand). VCF-style: chr3-48579208-A-G. GRCh37 (hg19) VCF-style: chr3-48616641-A-G.
Other names: short protein forms S1793P.
Identifiers: ClinVar variation 1942959 (VCV001942959.5), dbSNP rs754985497, ClinGen allele CA2379542.